The following is an entry in ClinVar:

NM_025137.4(SPG11):c.2044A>G (p.Ile682Val)

Gene: SPG11 (SPG11 vesicle trafficking associated, spatacsin; minus strand). Cytogenetic location: 15q21.1.
Variant type: single nucleotide variant.
Coding change: c.2044A>G on transcript NM_025137.4 (MANE Select); coding-DNA position 2044, A replaced by G.
Protein change: p.Ile682Val; replaces isoleucine 682 with valine.
Molecular consequence: missense variant.
Genome position (GRCh38, 1-based): chr15:44,628,692, T>C on the plus strand (A>G on the coding strand, the complement: SPG11 is on the minus strand). VCF-style: chr15-44628692-T-C. GRCh37 (hg19) VCF-style: chr15-44920890-T-C.
Other names: c.2044A>G, p.Ile682Val (NM_001160227.2, NM_001411132.1); short protein forms I682V.
Identifiers: ClinVar variation 3700511 (VCV003700511.2).

ClinVar aggregate classification (germline): Uncertain significance (1 of 4 stars; one submission).

Conditions:
Hereditary spastic paraplegia 11. Also called: Spastic Paraplegia 11; SPASTIC PARAPLEGIA, AUTOSOMAL RECESSIVE, COMPLICATED, WITH THIN CORPUS CALLOSUM; SPASTIC PARAPLEGIA, AUTOSOMAL RECESSIVE, WITH MENTAL IMPAIRMENT AND THIN CORPUS CALLOSUM; Nakamura Osame syndrome; Autosomal recessive hereditary spastic paraplegia, mental impairment, and thin corpus callosum; Spastic paraplegia, mental retardation and thin corpus callosum. Identifiers: Orphanet 2822, MedGen C1858479, MONDO:0011445, OMIM 604360.

Submission:

Labcorp Genetics (formerly Invitae), Labcorp
Classification: Uncertain significance for Hereditary spastic paraplegia 11. Last evaluated: 2025-12-08. Review status: criteria provided, single submitter. Criteria: Invitae Variant Classification Sherloc (09022015). Collection method: clinical testing. Allele origin: germline.
Comment: This sequence change replaces isoleucine, which is neutral and non-polar, with valine, which is neutral and non-polar, at codon 682 of the SPG11 protein (p.Ile682Val). This variant is not present in population databases (gnomAD no frequency). This variant has not been reported in the literature in individuals affected with SPG11-related conditions. ClinVar contains an entry for this variant (Variation ID: 3700511). Invitae Evidence Modeling of protein sequence and biophysical properties (such as structural, functional, and spatial information, amino acid conservation, physicochemical variation, residue mobility, and thermodynamic stability) indicates that this missense variant is not expected to disrupt SPG11 protein function with a negative predictive value of 80%. In summary, the available evidence is currently insufficient to determine the role of this variant in disease. Therefore, it has been classified as a Variant of Uncertain Significance.